The following is an entry in ClinVar:

ClinVar aggregate classification (germline): Uncertain significance (1 of 4 stars; one submission).

Allele frequency attached by ClinVar (database versions not stated): gnomAD 0.00003 and 0.00002; TOPMed 0.00007; 1000 Genomes Project 0.00026; gnomAD exomes 0.00001; 1000 Genomes Project 30x 0.00042.
gnomAD v4.1: 6 of 1,209,629 alleles (0.0005%); highest among the groups gnomAD compares: Admixed American, 0.013%; no homozygotes.

Submission:

GeneDx
Classification: Uncertain significance. Last evaluated: 2025-05-23. Review status: criteria provided, single submitter. Criteria: GeneDx Variant Classification Process June 2021. Collection method: clinical testing. Allele origin: germline. Affected: yes.
Comment: In silico analysis suggests that this missense variant does not alter protein structure/function; Has not been previously published as pathogenic or benign to our knowledge

NM_001330574.2(ZNF711):c.410C>T (p.Pro137Leu)

Gene: ZNF711 (zinc finger protein 711; plus strand). Cytogenetic location: Xq21.1.
Variant type: single nucleotide variant.
Coding change: c.410C>T on transcript NM_001330574.2 (MANE Select); coding-DNA position 410, C replaced by T.
Protein change: p.Pro137Leu; replaces proline 137 with leucine.
Molecular consequence: missense variant.
Genome position (GRCh38, 1-based): chrX:85,255,589, C>T. VCF-style: chrX-85255589-C-T. GRCh37 (hg19) VCF-style: chrX-84510595-C-T.
Other names: c.410C>T, p.Pro137Leu (NM_021998.5); short protein forms P137L.
Identifiers: ClinVar variation 450345 (VCV000450345.3), dbSNP rs192990608, ClinGen allele CA332522683.